The following is an entry in ClinVar:

ClinVar aggregate classification (germline): Uncertain significance (1 of 4 stars; one submission).

Conditions:
Aortic aneurysm, familial thoracic 8 (AAT8). Identifiers: MedGen C3809513, MONDO:0014187, OMIM 615436.

gnomAD v4.1: 5 of 1,613,372 alleles (0.00031%); highest among the groups gnomAD compares: Non-Finnish European, 0.00042%; no homozygotes.

Submission:

Labcorp Genetics (formerly Invitae), Labcorp
Classification: Uncertain significance for Aortic aneurysm, familial thoracic 8. Last evaluated: 2025-11-24. Review status: criteria provided, single submitter. Criteria: Invitae Variant Classification Sherloc (09022015). Collection method: clinical testing. Allele origin: germline.
Comment: This sequence change replaces alanine, which is neutral and non-polar, with threonine, which is neutral and polar, at codon 85 of the PRKG1 protein (p.Ala85Thr). This variant is present in population databases (rs775457473, gnomAD 0.002%). This variant has not been reported in the literature in individuals affected with PRKG1-related conditions. An algorithm developed to predict the effect of missense changes on protein structure and function (PolyPhen-2) suggests that this variant is likely to be tolerated. In summary, the available evidence is currently insufficient to determine the role of this variant in disease. Therefore, it has been classified as a Variant of Uncertain Significance.

NM_006258.4(PRKG1):c.253G>A (p.Ala85Thr)

Gene: PRKG1 (protein kinase cGMP-dependent 1; plus strand). Cytogenetic location: 10q11.23.
Variant type: single nucleotide variant.
Coding change: c.253G>A on transcript NM_006258.4 (MANE Select); coding-DNA position 253, G replaced by A.
Protein change: p.Ala85Thr; replaces alanine 85 with threonine.
Molecular consequence: missense variant. On other transcripts: intron variant (1).
Genome position (GRCh38, 1-based): chr10:51,074,843, G>A. VCF-style: chr10-51074843-G-A. GRCh37 (hg19) VCF-style: chr10-52834603-G-A.
Other names: c.253G>A, p.Ala85Thr (NM_001374782.1); c.267-78321G>A (NM_001098512.3); short protein forms A85T.
Identifiers: ClinVar variation 4701421 (VCV004701421.1).